The following is an entry in ClinVar:

NM_001399.5(EDA):c.533_544del (p.Lys178_Pro182delinsThr)

Gene: EDA (ectodysplasin A; plus strand). Cytogenetic location: Xq13.1.
Variant type: Deletion.
Coding change: c.533_544del on transcript NM_001399.5 (MANE Select); coding-DNA positions 533 to 544, 12 bases deleted (AAGCAGGACCTC).
Protein change: p.Lys178_Pro182delinsThr.
Molecular consequence: inframe indel.
Genome position (GRCh38, 1-based): chrX:70,027,863-70,027,874, AAGCAGGACCTC deleted. VCF-style (leftmost placement, unchanged base first): chrX-70027862-AAAGCAGGACCTC-A. GRCh37 (hg19) VCF-style: chrX-69247712-AAAGCAGGACCTC-A.
Other names: c.533_544del, p.Lys178_Pro182delinsThr (NM_001005609.2, NM_001005612.3).
Identifiers: ClinVar variation 1709871 (VCV001709871.2), dbSNP rs2520334451, ClinGen allele CA2580101362.

ClinVar aggregate classification (germline): Uncertain significance (1 of 4 stars; one submission).

Conditions:
Hypohidrotic X-linked ectodermal dysplasia (XHED). Also called: Anhidrotic ectodermal dysplasia X-linked; Christ Siemens Touraine syndrome; ECTODERMAL DYSPLASIA 1, HYPOHIDROTIC, X-LINKED; ECTODERMAL DYSPLASIA 1, HYPOHIDROTIC/HAIR/TOOTH TYPE, X-LINKED; Ectodermal Dysplasia 1, Anhidrotic; Christ-Siemans-Touraine syndrome. Identifiers: Orphanet 181, Orphanet 238468, MedGen C0162359, MONDO:0010585, OMIM 305100.

Submission:

MGZ Medical Genetics Center
Classification: Uncertain significance for Hypohidrotic X-linked ectodermal dysplasia. Last evaluated: 2021-07-26. Review status: criteria provided, single submitter. Criteria: ACMG Guidelines, 2015. Collection method: clinical testing. Allele origin: germline. Affected: yes. Observed: 1 variant allele.
Comment: ACMG criteria applied: PM4, PS4_SUP, PM2_SUP, PP4